The following is an entry in ClinVar:

NC_000016.9:g.(?_3929813)_(4387545_?)dup

Genes: ADCY9 (adenylate cyclase 9; minus strand), CREBBP (CREB binding lysine acetyltransferase; minus strand), GLIS2 (GLIS family zinc finger 2; plus strand), SRL (sarcalumenin; minus strand), TFAP4 (transcription factor AP-4; minus strand). Cytogenetic location: 16p13.3.
Variant type: Duplication.
Identifiers: ClinVar variation 1011075 (VCV001011075.5).

ClinVar aggregate classification (germline): Uncertain significance. Review status: criteria provided, single submitter (1 of 4 stars). 2 submissions from 1 submitter: Uncertain significance (2). Last evaluated 2018-07-03.

Conditions:
Rubinstein-Taybi syndrome due to CREBBP mutations (RSTS1). Also called: RUBINSTEIN SYNDROME; CREBBP-Related Rubinstein-Taybi Syndrome; BROAD THUMB-HALLUX SYNDROME; Rubinstein-Taybi syndrome 1; BROAD THUMBS AND GREAT TOES, CHARACTERISTIC FACIES, AND IMPAIRED INTELLECTUAL DEVELOPMENT; RUBINSTEIN-TAYBI SYNDROME 1, INCOMPLETE. Identifiers: Orphanet 353277, Orphanet 783, MedGen C4551859, MONDO:0008393, OMIM 180849.
Rubinstein-Taybi syndrome (RSTS). Identifiers: Orphanet 783, MedGen C0035934, MONDO:0019188.

Submissions (2):

Labcorp Genetics (formerly Invitae), Labcorp
Classification: Uncertain significance for Rubinstein-Taybi syndrome. Last evaluated: 2018-07-03. Review status: criteria provided, single submitter. Criteria: Invitae Variant Classification Sherloc (09022015). Collection method: clinical testing. Allele origin: germline.
Comment: This variant results in a copy number gain of the genomic region encompassing exon 1 of the CREBBP gene. The 5' end of this event is unknown as it extends beyond the assayed region for this gene and therefore may encompass additional genes. The 3' boundary is likely confined to intron 1 of the CREBBP gene. As the precise location of this event is unknown, it may be in tandem or it may be located elsewhere in the genome. A similar copy number gain affecting the first exon of CREBBP has been observed in an individual affected with Rubinstein-Taybi Syndrome (PMID: 15706485). Experimental studies are not available for this variant and the functional significance of a copy number gain of exon 1 is currently unknown. In summary, the available evidence is currently insufficient to determine the role of this variant in disease. Therefore, it has been classified as a Variant of Uncertain Significance.

Labcorp Genetics (formerly Invitae), Labcorp
Classification: Uncertain significance for Rubinstein-Taybi syndrome. Last evaluated: 2018-06-24. Review status: criteria provided, single submitter. Criteria: Invitae Variant Classification Sherloc (09022015). Collection method: clinical testing. Allele origin: germline.
Comment: Experimental studies are not available for this variant and the functional significance of a copy number gain of exon 1 is currently unknown. This variant results in a copy number gain of the genomic region encompassing exon 1 of the CREBBP gene. The 5' end of this event is unknown as it extends beyond the assayed region for this gene and therefore may encompass additional genes. The 3' boundary is likely confined to intron 1 of the CREBBP gene. As the precise location of this event is unknown, it may be in tandem or it may be located elsewhere in the genome. A similar copy number gain affecting the first exon of CREBBP has been observed in an individual affected with Rubinstein-Taybi Syndrome (PMID: 15706485). In summary, the available evidence is currently insufficient to determine the role of this variant in disease. Therefore, it has been classified as a Variant of Uncertain Significance.

Literature cited by the submitters: PubMed 15706485.